The following is an entry in ClinVar:

ClinVar aggregate classification (germline): Uncertain significance (1 of 4 stars; one submission).

Submission:

Labcorp Genetics (formerly Invitae), Labcorp
Classification: Uncertain significance. Last evaluated: 2018-04-27. Review status: criteria provided, single submitter. Criteria: Invitae Variant Classification Sherloc (09022015). Collection method: clinical testing. Allele origin: germline.
Comment: This sequence change replaces serine with arginine at codon 3286 of the SZT2 protein (p.Ser3286Arg). The serine residue is highly conserved and there is a moderate physicochemical difference between serine and arginine. In summary, the available evidence is currently insufficient to determine the role of this variant in disease. Therefore, it has been classified as a Variant of Uncertain Significance. Algorithms developed to predict the effect of missense changes on protein structure and function (SIFT, PolyPhen-2, Align-GVGD) all suggest that this variant is likely to be disruptive, but these predictions have not been confirmed by published functional studies and their clinical significance is uncertain. This variant has not been reported in the literature in individuals with SZT2-related disease. This variant is not present in population databases (ExAC no frequency).

NM_001365999.1(SZT2):c.10029C>A (p.Ser3343Arg)

Gene: SZT2 (SZT2 subunit of KICSTOR complex; plus strand). Cytogenetic location: 1p34.2.
Variant type: single nucleotide variant.
Coding change: c.10029C>A on transcript NM_001365999.1 (MANE Select); coding-DNA position 10029, C replaced by A.
Protein change: p.Ser3343Arg; replaces serine 3343 with arginine.
Molecular consequence: missense variant.
Genome position (GRCh38, 1-based): chr1:43,448,671, C>A. VCF-style: chr1-43448671-C-A. GRCh37 (hg19) VCF-style: chr1-43914342-C-A.
Other names: c.9858C>A, p.Ser3286Arg (NM_015284.4); short protein forms S3286R, S3343R.
Identifiers: ClinVar variation 1019348 (VCV001019348.8), dbSNP rs1655996049, ClinGen allele CA340046540.